The following is an entry in ClinVar:

ClinVar aggregate classification (germline): Likely benign. Review status: criteria provided, multiple submitters, no conflicts (2 of 4 stars). 2 submissions from 2 submitters: Likely benign (2). Last evaluated 2018-06-16.

Allele frequency attached by ClinVar (database versions not stated): gnomAD exomes 0.00081; gnomAD 0.00595 and 0.00625; TOPMed 0.00690; 1000 Genomes Project 0.00938; 1000 Genomes Project 30x 0.01062.
gnomAD v4.1: 1,705 of 1,109,506 alleles (0.15%); highest among the groups gnomAD compares: African/African-American, 2.1%; 6 homozygotes.

Submissions (2):

GeneDx
Classification: Likely benign. Last evaluated: 2018-06-16. Review status: criteria provided, single submitter. Criteria: GeneDx Variant Classification (06012015). Collection method: clinical testing. Allele origin: germline. Affected: yes.
Comment: This variant is considered likely benign or benign based on one or more of the following criteria: it is a conservative change, it occurs at a poorly conserved position in the protein, it is predicted to be benign by multiple in silico algorithms, and/or has population frequency not consistent with disease.

Breakthrough Genomics
Classification: Likely benign. Review status: criteria provided, single submitter. Criteria: ACMG Guidelines, 2015. Collection method: not provided. Allele origin: germline. Inheritance: Autosomal recessive inheritance. Affected: yes.

NM_021252.5(RAB18):c.187-76G>A

Gene: RAB18 (RAB18, member RAS oncogene family; plus strand). Cytogenetic location: 10p12.1.
Variant type: single nucleotide variant.
Coding change: c.187-76G>A on transcript NM_021252.5 (MANE Select); 76 bases into the intron before coding-DNA position 187, G replaced by A.
Molecular consequence: intron variant.
Genome position (GRCh38, 1-based): chr10:27,532,431, G>A. VCF-style: chr10-27532431-G-A. GRCh37 (hg19) VCF-style: chr10-27821360-G-A.
Other names: c.274-76G>A (NM_001256410.2); c.187-76G>A (NM_001256411.2); c.187-1497G>A (NM_001256412.2).
Identifiers: ClinVar variation 676971 (VCV000676971.2), dbSNP rs12242389, ClinGen allele CA204501745.